The following is an entry in ClinVar:

ClinVar aggregate classification (germline): Pathogenic (1 of 4 stars; one submission).

Submission:

Labcorp Genetics (formerly Invitae), Labcorp
Classification: Pathogenic. Last evaluated: 2023-12-21. Review status: criteria provided, single submitter. Criteria: Invitae Variant Classification Sherloc (09022015). Collection method: clinical testing. Allele origin: germline.
Comment: This sequence change creates a premature translational stop signal (p.Ser474Profs*26) in the NEXMIF gene. It is expected to result in an absent or disrupted protein product. Loss-of-function variants in NEXMIF are known to be pathogenic (PMID: 23615299). This variant is not present in population databases (gnomAD no frequency). This variant has not been reported in the literature in individuals affected with NEXMIF-related conditions. For these reasons, this variant has been classified as Pathogenic.

Literature cited by the submitters: PubMed 23615299.

NM_001008537.3(NEXMIF):c.1419del (p.Ser474fs)

Gene: NEXMIF (neurite extension and migration factor; minus strand). Cytogenetic location: Xq13.3.
Variant type: Deletion.
Coding change: c.1419del on transcript NM_001008537.3 (MANE Select); coding-DNA position 1419, one base deleted (C; older notation c.1419delC).
Protein change: p.Ser474fs; shifts the reading frame from serine 474.
Molecular consequence: frameshift variant.
Genome position (GRCh38, 1-based): chrX:74,743,138, G deleted on the plus strand (C on the coding strand, the reverse complement: NEXMIF is on the minus strand); the first of 2 consecutive G bases (chrX:74,743,138-74,743,139); deleting either gives the same sequence. VCF-style (leftmost placement, unchanged base first): chrX-74743137-AG-A. GRCh37 (hg19) VCF-style: chrX-73962972-AG-A.
Other names: short protein forms S474fs.
Identifiers: ClinVar variation 2704747 (VCV002704747.3), dbSNP rs2519915395, ClinGen allele CA2697553160.